The following is an entry in ClinVar:

ClinVar aggregate classification (germline): Uncertain significance (1 of 4 stars; one submission).

Conditions:
Hereditary sensory and autonomic neuropathy type 6. Also called: HSAN VI; Neuropathy, hereditary sensory and autonomic, type VI. Identifiers: Orphanet 314381, MedGen C3539003, MONDO:0013839, OMIM 614653.
Epidermolysis bullosa simplex 3, localized or generalized intermediate, with BP230 deficiency (EBS3). Also called: Epidermolysis bullosa simplex, autosomal recessive 2; Epidermolysis bullosa simplex due to BP230 deficiency. Identifiers: Orphanet 412181, MedGen C3809470, MONDO:0014180, OMIM 615425.

Submission:

Labcorp Genetics (formerly Invitae), Labcorp
Classification: Uncertain significance for Epidermolysis bullosa simplex 3, localized or generalized intermediate, with BP230 deficiency; Hereditary sensory and autonomic neuropathy type 6. Last evaluated: 2022-04-08. Review status: criteria provided, single submitter. Criteria: Invitae Variant Classification Sherloc (09022015). Collection method: clinical testing. Allele origin: germline.
Comment: In summary, the available evidence is currently insufficient to determine the role of this variant in disease. Therefore, it has been classified as a Variant of Uncertain Significance. Algorithms developed to predict the effect of missense changes on protein structure and function are either unavailable or do not agree on the potential impact of this missense change (SIFT: "Tolerated"; PolyPhen-2: "Possibly Damaging"; Align-GVGD: "Class C0"). This variant has not been reported in the literature in individuals affected with DST-related conditions. This variant is not present in population databases (gnomAD no frequency). This sequence change replaces alanine, which is neutral and non-polar, with glycine, which is neutral and non-polar, at codon 1459 of the DST protein (p.Ala1459Gly).

NM_001723.7(DST):c.4376C>G (p.Ala1459Gly)

Gene: DST (dystonin; minus strand). Cytogenetic location: 6p12.1.
Variant type: single nucleotide variant.
Coding change: c.4376C>G on transcript NM_001723.7 (MANE Plus Clinical); coding-DNA position 4376, C replaced by G.
Protein change: p.Ala1459Gly; replaces alanine 1459 with glycine.
Molecular consequence: missense variant. On other transcripts: intron variant (10).
Genome position (GRCh38, 1-based): chr6:56,619,658, G>C on the plus strand (C>G on the coding strand, the complement: DST is on the minus strand). VCF-style: chr6-56619658-G-C. GRCh37 (hg19) VCF-style: chr6-56484456-G-C.
Other names: c.4830+4872C>G (NM_001144769.5); c.4929+4872C>G (NM_001374722.1, NM_001374736.1); c.4956+4872C>G (NM_001374734.1); c.4416+4872C>G (NM_001144770.2); c.4296+4872C>G (NM_001374730.1, NM_001386100.1, NM_183380.4 and 1 more transcripts); c.3318+4872C>G (NM_015548.5); short protein forms A1459G.
Identifiers: ClinVar variation 2089815 (VCV002089815.4), dbSNP rs2536718046, ClinGen allele CA364569821.
Genomic context (GRCh38, chr6:56,619,658, plus strand): 5'-TCATGATTAAGAGATTCTAATTCTAACTGATAATTGCGCTTTATTTTCTTGAGATCACTA[G>C]CTTCTTGCATGGCTTCTTCAGCTTTACCTGTGGTTTGATTCAATTGCCTACCAAGCTCTC-3'
Protein context (NP_001714.1, residues 1449-1469): TGKAEEAMQE[Ala1459Gly]SDLKKIKRNY